The following is an entry in ClinVar:

ClinVar aggregate classification (germline): Uncertain significance (1 of 4 stars; one submission).

Conditions:
Hereditary pancreatitis (PCTT). Also called: Hereditary chronic pancreatitis; PRSS1-Related Hereditary Pancreatitis. Identifiers: Orphanet 676, MedGen C0238339, MONDO:0008185, OMIM 167800.

Submission:

Ambry Genetics
Classification: Uncertain significance for Hereditary pancreatitis. Last evaluated: 2023-09-22. Review status: criteria provided, single submitter. Criteria: Ambry Variant Classification Scheme 2023. Collection method: clinical testing. Allele origin: germline.
Comment: The p.P203T variant (also known as c.607C>A), located in coding exon 5 of the PRSS1 gene, results from a C to A substitution at nucleotide position 607. The proline at codon 203 is replaced by threonine, an amino acid with highly similar properties. This amino acid position is conserved. In addition, this alteration is predicted to be deleterious by in silico analysis. Since supporting evidence is limited at this time, the clinical significance of this alteration remains unclear.

NM_002769.5(PRSS1):c.607C>A (p.Pro203Thr)

Genes: PRSS1 (serine protease 1; plus strand), TRB (T cell receptor beta locus; plus strand). Cytogenetic location: 7q34.
Variant type: single nucleotide variant.
Coding change: c.607C>A on transcript NM_002769.5 (MANE Select); coding-DNA position 607, C replaced by A.
Protein change: p.Pro203Thr; replaces proline 203 with threonine.
Molecular consequence: missense variant. On other transcripts: non-coding transcript variant (5).
Genome position (GRCh38, 1-based): chr7:142,752,883, C>A. VCF-style: chr7-142752883-C-A. GRCh37 (hg19) VCF-style: chr7-142460734-C-A.
Other names: short protein forms P203T.
Identifiers: ClinVar variation 1751433 (VCV001751433.2), dbSNP rs2485768503, ClinGen allele CA369610595.
Genomic context (GRCh38, chr7:142,752,883, plus strand): 5'-TTCCTCCTCCATCTCTCCATACAACTTGTCCCTTCTTCCCCCCAGGGTGATTCTGGTGGC[C>A]CTGTGGTCTGCAATGGACAGCTCCAAGGAGTTGTCTCCTGGGGTGATGGCTGTGCCCAGA-3'
Protein context (NP_002760.1, residues 193-213): KDSCQGDSGG[Pro203Thr]VVCNGQLQGV